The following is an entry in ClinVar:

ClinVar aggregate classification (germline): Conflicting classifications of pathogenicity. Review status: criteria provided, conflicting classifications (1 of 4 stars). 3 submissions from 3 submitters: Uncertain significance (2); Likely benign (1). Last evaluated 2025-06-27.

Conditions:
Inborn genetic diseases. Identifiers: MedGen C0950123, MeSH D030342.
Charcot-Marie-Tooth disease axonal type 2O. Also called: CHARCOT-MARIE-TOOTH NEUROPATHY, AXONAL, TYPE 2O; CHARCOT-MARIE-TOOTH DISEASE, AXONAL, AUTOSOMAL DOMINANT, TYPE 2O; Charcot-Marie-Tooth disease, axonal, type 20; Charcot-Marie-Tooth Neuropathy Type 2O. Identifiers: Orphanet 284232, MedGen C3280220, MONDO:0013644, OMIM 614228.

Allele frequency attached by ClinVar (database versions not stated): gnomAD exomes below 0.00001; gnomAD 0.00001; TOPMed 0.00001.
gnomAD v4.1: 6 of 1,614,012 alleles (0.00037%); highest among the groups gnomAD compares: Non-Finnish European, 0.00051%; no homozygotes.

Submissions (3):

Labcorp Genetics (formerly Invitae), Labcorp
Classification: Uncertain significance for Charcot-Marie-Tooth disease axonal type 2O. Last evaluated: 2025-06-27. Review status: criteria provided, single submitter. Criteria: Invitae Variant Classification Sherloc (09022015). Collection method: clinical testing. Allele origin: germline.
Comment: This sequence change falls in intron 11 of the DYNC1H1 gene. It does not directly change the encoded amino acid sequence of the DYNC1H1 protein. It affects a nucleotide within the consensus splice site. This variant is not present in population databases (gnomAD no frequency). This variant has not been reported in the literature in individuals affected with DYNC1H1-related conditions. ClinVar contains an entry for this variant (Variation ID: 386561). Variants that disrupt the consensus splice site are a relatively common cause of aberrant splicing (PMID: 17576681, 9536098). Algorithms developed to predict the effect of sequence changes on RNA splicing suggest that this variant is not likely to affect RNA splicing. In summary, the available evidence is currently insufficient to determine the role of this variant in disease. Therefore, it has been classified as a Variant of Uncertain Significance.

Ambry Genetics
Classification: Uncertain significance for Inborn genetic diseases. Last evaluated: 2020-01-15. Review status: criteria provided, single submitter. Criteria: Ambry Variant Classification Scheme 2023. Collection method: clinical testing. Allele origin: germline.
Comment: The c.3015+3A>G intronic variant results from an A to G substitution 3 nucleotides after coding exon 11 in the DYNC1H1 gene. This nucleotide position is poorly conserved in available vertebrate species. Using the BDGP and ESEfinder splice site prediction tools, this alteration is not predicted to have any significant effect on this splice donor site; however, direct evidence is unavailable. Since supporting evidence is limited at this time, the clinical significance of this alteration remains unclear.

GeneDx
Classification: Likely benign. Last evaluated: 2016-06-15. Review status: criteria provided, single submitter. Criteria: GeneDx Variant Classification (06012015). Collection method: clinical testing. Allele origin: germline. Affected: yes.
Comment: This variant is considered likely benign or benign based on one or more of the following criteria: it is a conservative change, it occurs at a poorly conserved position in the protein, it is predicted to be benign by multiple in silico algorithms, and/or has population frequency not consistent with disease.

Literature cited by the submitters: PubMed 17576681 (cited by Labcorp Genetics (formerly Invitae), Labcorp); PubMed 9536098 (cited by Labcorp Genetics (formerly Invitae), Labcorp).

NM_001376.5(DYNC1H1):c.3015+3A>G

Gene: DYNC1H1 (dynein cytoplasmic 1 heavy chain 1; plus strand). Cytogenetic location: 14q32.31.
Variant type: single nucleotide variant.
Coding change: c.3015+3A>G on transcript NM_001376.5 (MANE Select); 3 bases into the intron after coding-DNA position 3015, A replaced by G.
Molecular consequence: intron variant.
Genome position (GRCh38, 1-based): chr14:101,991,676, A>G. VCF-style: chr14-101991676-A-G. GRCh37 (hg19) VCF-style: chr14-102458013-A-G.
Identifiers: ClinVar variation 386561 (VCV000386561.10), dbSNP rs1057522534, ClinGen allele CA16606749.